The following is an entry in ClinVar:

ClinVar aggregate classification (germline): Uncertain significance (1 of 4 stars; one submission).

gnomAD v4.1: 3 of 1,612,306 alleles (0.00019%); highest among the groups gnomAD compares: Admixed American, 0.0017%; no homozygotes.

Submission:

Women's Health and Genetics/Laboratory Corporation of America, LabCorp
Classification: Uncertain significance. Last evaluated: 2026-02-02. Review status: criteria provided, single submitter. Criteria: LabCorp Variant Classification Summary - May 2015. Collection method: clinical testing. Allele origin: germline.
Comment: Variant summary: OBSL1 c.4989G>A (p.Lys1663Lys) alters a conserved nucleotide located close to a canonical splice site and therefore could affect mRNA splicing, leading to a significantly altered protein sequence. Several computational tools predict a significant impact on normal splicing: Three predict the variant abolishes a 5' splicing donor site. One predict the variant weakens a 5' donor site. However, these predictions have yet to be confirmed by functional studies. The variant was absent in 247630 control chromosomes. The available data on variant occurrences in the general population are insufficient to allow any conclusion about variant significance. To our knowledge, no occurrence of c.4989G>A in individuals affected with OBSL1-related conditions and no experimental evidence demonstrating its impact on protein function have been reported. No submitters have cited clinical-significance assessments for this variant to ClinVar. Based on the evidence outlined above, the variant was classified as uncertain significance.

NM_015311.3(OBSL1):c.4989G>A (p.Lys1663=)

Gene: OBSL1 (obscurin like cytoskeletal adaptor 1; minus strand). Cytogenetic location: 2q35.
Variant type: single nucleotide variant.
Coding change: c.4989G>A on transcript NM_015311.3 (MANE Select); coding-DNA position 4989, G replaced by A.
Protein change: p.Lys1663=; no amino-acid change (lysine 1663 retained).
Molecular consequence: synonymous variant.
Genome position (GRCh38, 1-based): chr2:219,553,574, C>T on the plus strand (G>A on the coding strand, the complement: OBSL1 is on the minus strand). VCF-style: chr2-219553574-C-T. GRCh37 (hg19) VCF-style: chr2-220418296-C-T.
Identifiers: ClinVar variation 4848112 (VCV004848112.1).